The following is an entry in ClinVar:

ClinVar aggregate classification (germline): Uncertain significance (1 of 4 stars; one submission).

Conditions:
Severe combined immunodeficiency due to CORO1A deficiency. Also called: IMMUNODEFICIENCY 8 WITH LYMPHOPROLIFERATION; Immunodeficiency 8. Identifiers: Orphanet 228003, MedGen C3809383, MONDO:0014168, OMIM 615401.

Allele frequency attached by ClinVar (database versions not stated): gnomAD exomes below 0.00001.
gnomAD v4.1: 6 of 1,605,004 alleles (0.00037%); highest among the groups gnomAD compares: Non-Finnish European, 0.00042%; no homozygotes.

Submission:

Labcorp Genetics (formerly Invitae), Labcorp
Classification: Uncertain significance for Severe combined immunodeficiency due to CORO1A deficiency. Last evaluated: 2023-08-10. Review status: criteria provided, single submitter. Criteria: Invitae Variant Classification Sherloc (09022015). Collection method: clinical testing. Allele origin: germline.
Comment: In summary, the available evidence is currently insufficient to determine the role of this variant in disease. Therefore, it has been classified as a Variant of Uncertain Significance. Advanced modeling of protein sequence and biophysical properties (such as structural, functional, and spatial information, amino acid conservation, physicochemical variation, residue mobility, and thermodynamic stability) has been performed at Invitae for this missense variant, however the output from this modeling did not meet the statistical confidence thresholds required to predict the impact of this variant on CORO1A protein function. ClinVar contains an entry for this variant (Variation ID: 2000134). This variant has not been reported in the literature in individuals affected with CORO1A-related conditions. The frequency data for this variant in the population databases is considered unreliable, as metrics indicate poor data quality at this position in the gnomAD database. This sequence change replaces alanine, which is neutral and non-polar, with valine, which is neutral and non-polar, at codon 248 of the CORO1A protein (p.Ala248Val).

NM_007074.4(CORO1A):c.743C>T (p.Ala248Val)

Genes: CORO1A (coronin 1A; plus strand), LOC121587541 (Sharpr-MPRA regulatory region 7413; plus strand). Cytogenetic location: 16p11.2.
Variant type: single nucleotide variant.
Coding change: c.743C>T on transcript NM_007074.4 (MANE Select); coding-DNA position 743, C replaced by T.
Protein change: p.Ala248Val; replaces alanine 248 with valine.
Molecular consequence: missense variant.
Genome position (GRCh38, 1-based): chr16:30,187,488, C>T. VCF-style: chr16-30187488-C-T. GRCh37 (hg19) VCF-style: chr16-30198809-C-T.
Other names: c.743C>T, p.Ala248Val (NM_001193333.3); short protein forms A248V.
Identifiers: ClinVar variation 2000134 (VCV002000134.4), dbSNP rs1426015041, ClinGen allele CA395495632.